The following is an entry in ClinVar:

ClinVar aggregate classification (germline): Uncertain significance (1 of 4 stars; one submission).

Allele frequency attached by ClinVar (database versions not stated): gnomAD exomes 0.00002; TOPMed 0.00002; gnomAD 0.00003 and 0.00004.
gnomAD v4.1: 9 of 1,613,876 alleles (0.00056%); highest among the groups gnomAD compares: African/African-American, 0.012%; no homozygotes.

Submission:

Labcorp Genetics (formerly Invitae), Labcorp
Classification: Uncertain significance. Last evaluated: 2022-06-27. Review status: criteria provided, single submitter. Criteria: Invitae Variant Classification Sherloc (09022015). Collection method: clinical testing. Allele origin: germline.
Comment: In summary, the available evidence is currently insufficient to determine the role of this variant in disease. Therefore, it has been classified as a Variant of Uncertain Significance. This sequence change replaces methionine, which is neutral and non-polar, with isoleucine, which is neutral and non-polar, at codon 762 of the MERTK protein (p.Met762Ile). This variant is present in population databases (no rsID available, gnomAD 0.02%). This variant has not been reported in the literature in individuals affected with MERTK-related conditions. Algorithms developed to predict the effect of missense changes on protein structure and function are either unavailable or do not agree on the potential impact of this missense change (SIFT: "Deleterious"; PolyPhen-2: "Probably Damaging"; Align-GVGD: "Class C0").

NM_006343.3(MERTK):c.2286G>C (p.Met762Ile)

Gene: MERTK (MER proto-oncogene, tyrosine kinase; plus strand). Cytogenetic location: 2q13.
Variant type: single nucleotide variant.
Coding change: c.2286G>C on transcript NM_006343.3 (MANE Select); coding-DNA position 2286, G replaced by C.
Protein change: p.Met762Ile; replaces methionine 762 with isoleucine.
Molecular consequence: missense variant.
Genome position (GRCh38, 1-based): chr2:112,021,518, G>C. VCF-style: chr2-112021518-G-C. GRCh37 (hg19) VCF-style: chr2-112779095-G-C.
Other names: short protein forms M762I.
Identifiers: ClinVar variation 1382956 (VCV001382956.6), dbSNP rs1239497682, ClinGen allele CA348239207.